The following is an entry in ClinVar:

NM_015311.3(OBSL1):c.4975G>A (p.Val1659Ile)

Gene: OBSL1 (obscurin like cytoskeletal adaptor 1; minus strand). Cytogenetic location: 2q35.
Variant type: single nucleotide variant.
Coding change: c.4975G>A on transcript NM_015311.3 (MANE Select); coding-DNA position 4975, G replaced by A.
Protein change: p.Val1659Ile; replaces valine 1659 with isoleucine.
Molecular consequence: missense variant.
Genome position (GRCh38, 1-based): chr2:219,553,588, C>T on the plus strand (G>A on the coding strand, the complement: OBSL1 is on the minus strand). VCF-style: chr2-219553588-C-T. GRCh37 (hg19) VCF-style: chr2-220418310-C-T.
Other names: short protein forms V1659I.
Identifiers: ClinVar variation 1046374 (VCV001046374.9), dbSNP rs1695789278, ClinGen allele CA350721442.

ClinVar aggregate classification (germline): Uncertain significance (1 of 4 stars; one submission).

Allele frequency attached by ClinVar (database versions not stated): gnomAD exomes below 0.00001.
gnomAD v4.1: 2 of 1,613,652 alleles (0.00012%); highest among the groups gnomAD compares: Non-Finnish European, 0.000085%; no homozygotes.

Submission:

Labcorp Genetics (formerly Invitae), Labcorp
Classification: Uncertain significance. Last evaluated: 2022-11-28. Review status: criteria provided, single submitter. Criteria: Invitae Variant Classification Sherloc (09022015). Collection method: clinical testing. Allele origin: germline.
Comment: This sequence change replaces valine, which is neutral and non-polar, with isoleucine, which is neutral and non-polar, at codon 1659 of the OBSL1 protein (p.Val1659Ile). This variant is not present in population databases (gnomAD no frequency). This variant has not been reported in the literature in individuals affected with OBSL1-related conditions. ClinVar contains an entry for this variant (Variation ID: 1046374). Algorithms developed to predict the effect of missense changes on protein structure and function output the following: SIFT: "Tolerated"; PolyPhen-2: "Benign"; Align-GVGD: "Class C0". The isoleucine amino acid residue is found in multiple mammalian species, which suggests that this missense change does not adversely affect protein function. In summary, the available evidence is currently insufficient to determine the role of this variant in disease. Therefore, it has been classified as a Variant of Uncertain Significance.